The following is an entry in ClinVar:

ClinVar aggregate classification (germline): Likely pathogenic (1 of 4 stars; one submission).

Conditions:
CFAP251-related disorder. Also called: CFAP251-related condition.

gnomAD v4.1: 222 of 1,614,114 alleles (0.014%); highest among the groups gnomAD compares: Non-Finnish European, 0.018%; no homozygotes.

Submission:

PreventionGenetics, part of Exact Sciences
Classification: Likely pathogenic for CFAP251-related condition. Last evaluated: 2025-03-05. Review status: criteria provided, single submitter. Criteria: ACMG Guidelines, 2015. Collection method: clinical testing. Allele origin: germline.
Comment: The CFAP251 c.1915C>T variant is predicted to result in premature protein termination (p.Gln639*). To our knowledge, this variant has not been reported in the literature. This variant is reported in 0.025% of alleles in individuals of European (Non-Finnish) descent in gnomAD. Nonsense variants in CFAP251 are expected to be pathogenic. This variant is interpreted as likely pathogenic.

NM_144668.6(CFAP251):c.1915C>T (p.Gln639Ter)

Gene: CFAP251 (cilia and flagella associated protein 251; plus strand). Cytogenetic location: 12q24.31.
Variant type: single nucleotide variant.
Coding change: c.1915C>T on transcript NM_144668.6 (MANE Select); coding-DNA position 1915, C replaced by T.
Protein change: p.Gln639Ter; replaces glutamine 639 with a stop codon.
Molecular consequence: nonsense.
Genome position (GRCh38, 1-based): chr12:121,958,456, C>T. VCF-style: chr12-121958456-C-T. GRCh37 (hg19) VCF-style: chr12-122396362-C-T.
Other names: c.1915C>T, p.Gln639Ter (NM_001178003.2); short protein forms Q639*.
Identifiers: ClinVar variation 4977136 (VCV004977136.1).